The following is an entry in ClinVar:

NM_000535.7(PMS2):c.942T>A (p.Asn314Lys)

Gene: PMS2 (PMS1 homolog 2, mismatch repair system component; minus strand). Cytogenetic location: 7p22.1.
Variant type: single nucleotide variant.
Coding change: c.942T>A on transcript NM_000535.7 (MANE Select); coding-DNA position 942, T replaced by A.
Protein change: p.Asn314Lys; replaces asparagine 314 with lysine.
Molecular consequence: missense variant. On other transcripts: non-coding transcript variant (1).
Genome position (GRCh38, 1-based): chr7:5,992,019, A>T on the plus strand (T>A on the coding strand, the complement: PMS2 is on the minus strand). VCF-style: chr7-5992019-A-T. GRCh37 (hg19) VCF-style: chr7-6031650-A-T.
Other names: c.537T>A, p.Asn179Lys (NM_001018040.1, NM_001322003.2, NM_001322004.2 and 20 more transcripts); c.942T>A, p.Asn314Lys (NM_001322006.2, NM_001322014.2, NM_001406870.1 and 2 more transcripts); c.624T>A, p.Asn208Lys (NM_001322007.2, NM_001322008.2, NM_001406876.1 and 4 more transcripts); c.9T>A, p.Asn3Lys (NM_001322011.2, NM_001322012.2); c.369T>A, p.Asn123Lys (NM_001322013.2, NM_001406909.1); c.633T>A, p.Asn211Lys (NM_001322015.2, NM_001406875.1, NM_001406877.1 and 6 more transcripts); c.1128T>A, p.Asn376Lys (NM_001406866.1); c.966T>A, p.Asn322Lys (NM_001406868.1); and 7 more; short protein forms N123K, N143K, N192K, N248K, N376K, N258K, N278K, N314K.
Identifiers: ClinVar variation 1766940 (VCV001766940.3), dbSNP rs777161854, ClinGen allele CA366743147.
Genomic context (GRCh38, chr7:5,992,019, plus strand): 5'-CCAATGGAACTTACCTGAATCAACAGAAATGTTAAGAACAACAAATGGATACTGGTGTCG[A>T]TTATACATGTGGTAGACCTCATTCACGAGTCTGCAGACCTGCACAAAATACAAGGAGTAG-3'
Protein context (NP_000526.2, residues 304-324): RLVNEVYHMY[Asn314Lys]RHQYPFVVLN

ClinVar aggregate classification (germline): Uncertain significance. Review status: criteria provided, multiple submitters, no conflicts (2 of 4 stars). 2 submissions from 2 submitters: Uncertain significance (2). Last evaluated 2023-08-08.

Conditions:
Hereditary cancer-predisposing syndrome. Also called: Hereditary Cancer Syndrome; Hereditary neoplastic syndrome; Neoplastic Syndromes, Hereditary; Tumor predisposition. Identifiers: Orphanet 140162, MedGen C0027672, MeSH D009386, MONDO:0015356.
Lynch syndrome 4 (LYNCH4). Also called: Colorectal cancer, hereditary nonpolyposis, type 4; Hereditary non-polyposis colorectal cancer, type 4. Identifiers: Orphanet 144, MedGen C1838333, MONDO:0013699, OMIM 614337. Disease mechanism: loss of function.

Submissions (2):

Baylor Genetics
Classification: Uncertain significance for Lynch syndrome 4. Last evaluated: 2023-08-08. Review status: criteria provided, single submitter. Criteria: ACMG Guidelines, 2015. Collection method: clinical testing. Allele origin: unknown.

Ambry Genetics
Classification: Uncertain significance for Hereditary cancer-predisposing syndrome. Last evaluated: 2020-05-21. Review status: criteria provided, single submitter. Criteria: Ambry Variant Classification Scheme 2023. Collection method: clinical testing. Allele origin: germline.
Comment: The p.N314K variant (also known as c.942T>A), located in coding exon 9 of the PMS2 gene, results from a T to A substitution at nucleotide position 942. The asparagine at codon 314 is replaced by lysine, an amino acid with similar properties. This amino acid position is highly conserved in available vertebrate species. In addition, the in silico prediction for this alteration is inconclusive. Since supporting evidence is limited at this time, the clinical significance of this alteration remains unclear.